The following is an entry in ClinVar:

ClinVar aggregate classification (germline): Likely benign. Review status: criteria provided, multiple submitters, no conflicts (2 of 4 stars). 2 submissions from 2 submitters: Likely benign (2). Last evaluated 2024-12-30.

Allele frequency attached by ClinVar (database versions not stated): gnomAD 0.00003; ExAC 0.00004; TOPMed 0.00004; gnomAD exomes 0.00005; ESP Exome Variant Server 0.00008; 1000 Genomes Project 30x 0.00016; 1000 Genomes Project 0.00020.
gnomAD v4.1: 80 of 1,610,854 alleles (0.005%); highest among the groups gnomAD compares: Non-Finnish European, 0.0064%; no homozygotes.

Submissions (2):

Mayo Clinic Laboratories, Mayo Clinic
Classification: Likely benign. Last evaluated: 2024-12-30. Review status: criteria provided, single submitter. Criteria: ACMG Guidelines, 2015. Collection method: clinical testing. Allele origin: germline. Observed: 1 variant allele.
Comment: BP4, BP7

CeGaT Center for Human Genetics Tuebingen
Classification: Likely benign. Last evaluated: 2023-11-01. Review status: criteria provided, single submitter. Criteria: CeGaT Center For Human Genetics Tuebingen Variant Classification Criteria Version 2. Collection method: clinical testing. Allele origin: germline. Affected: yes. Observed: 1 variant allele.
Comment: PMPCA: BP4, BP7

NM_015160.3(PMPCA):c.1575G>A (p.Arg525=)

Gene: PMPCA (peptidase, mitochondrial processing subunit alpha; plus strand). Cytogenetic location: 9q34.3.
Variant type: single nucleotide variant.
Coding change: c.1575G>A on transcript NM_015160.3 (MANE Select); coding-DNA position 1575, G replaced by A.
Protein change: p.Arg525=; no amino-acid change (arginine 525 retained).
Molecular consequence: synonymous variant.
Genome position (GRCh38, 1-based): chr9:136,423,261, G>A. VCF-style: chr9-136423261-G-A. GRCh37 (hg19) VCF-style: chr9-139317713-G-A.
Other names: p.Arg525=; c.1182G>A, p.Arg394= (NM_001282944.2); c.1275G>A, p.Arg425= (NM_001282946.2).
Identifiers: ClinVar variation 2673204 (VCV002673204.24), dbSNP rs149519003, ClinGen allele CA5336589.